The following is an entry in ClinVar:

ClinVar aggregate classification (germline): Pathogenic (1 of 4 stars; one submission).

Submission:

Labcorp Genetics (formerly Invitae), Labcorp
Classification: Pathogenic. Last evaluated: 2024-08-01. Review status: criteria provided, single submitter. Criteria: Invitae Variant Classification Sherloc (09022015). Collection method: clinical testing. Allele origin: germline.
Comment: This sequence change creates a premature translational stop signal (p.Cys202Valfs*65) in the TUBGCP6 gene. It is expected to result in an absent or disrupted protein product. Loss-of-function variants in TUBGCP6 are known to be pathogenic (PMID: 25344692). This variant is not present in population databases (gnomAD no frequency). This variant has not been reported in the literature in individuals affected with TUBGCP6-related conditions. For these reasons, this variant has been classified as Pathogenic.

Literature cited by the submitters: PubMed 25344692.

NM_020461.4(TUBGCP6):c.604del (p.Cys202fs)

Gene: TUBGCP6 (tubulin gamma complex component 6; minus strand). Cytogenetic location: 22q13.33.
Variant type: Deletion.
Coding change: c.604del on transcript NM_020461.4 (MANE Select); coding-DNA position 604, one base deleted (T; older notation c.604delT).
Protein change: p.Cys202fs; shifts the reading frame from cysteine 202.
Molecular consequence: frameshift variant.
Genome position (GRCh38, 1-based): chr22:50,243,856, A deleted on the plus strand (T on the coding strand, the reverse complement: TUBGCP6 is on the minus strand); the first of 2 consecutive A bases (chr22:50,243,856-50,243,857); deleting either gives the same sequence. VCF-style (leftmost placement, unchanged base first): chr22-50243855-CA-C. GRCh37 (hg19) VCF-style: chr22-50682284-CA-C.
Other names: short protein forms C202fs.
Identifiers: ClinVar variation 3661156 (VCV003661156.2).